The following is an entry in ClinVar:

NM_032634.4(PIGO):c.152C>T (p.Pro51Leu)

Gene: PIGO (phosphatidylinositol glycan anchor biosynthesis class O; minus strand). Cytogenetic location: 9p13.3.
Variant type: single nucleotide variant.
Coding change: c.152C>T on transcript NM_032634.4 (MANE Select); coding-DNA position 152, C replaced by T.
Protein change: p.Pro51Leu; replaces proline 51 with leucine.
Molecular consequence: missense variant.
Genome position (GRCh38, 1-based): chr9:35,095,414, G>A on the plus strand (C>T on the coding strand, the complement: PIGO is on the minus strand). VCF-style: chr9-35095414-G-A. GRCh37 (hg19) VCF-style: chr9-35095411-G-A.
Other names: c.152C>T, p.Pro51Leu (NM_001201484.2, NM_152850.4); short protein forms P51L.
Identifiers: ClinVar variation 1496689 (VCV001496689.8), dbSNP rs1829626741, ClinGen allele CA373324889.

ClinVar aggregate classification (germline): Uncertain significance (1 of 4 stars; one submission).

Conditions:
Hyperphosphatasia with impaired intellectual development syndrome 2. Also called: Hyperphosphatasia with intellectual disability syndrome 2; GLYCOSYLPHOSPHATIDYLINOSITOL BIOSYNTHESIS DEFECT 6. Identifiers: Orphanet 247262, MedGen C3553637, MONDO:0013882, OMIM 614749.

gnomAD v4.1: 2 of 1,614,118 alleles (0.00012%); highest among the groups gnomAD compares: East Asian, 0.0022%; no homozygotes.

Submission:

Labcorp Genetics (formerly Invitae), Labcorp
Classification: Uncertain significance for Hyperphosphatasia with impaired intellectual development syndrome 2. Last evaluated: 2021-04-11. Review status: criteria provided, single submitter. Criteria: Invitae Variant Classification Sherloc (09022015). Collection method: clinical testing. Allele origin: germline.
Comment: In summary, the available evidence is currently insufficient to determine the role of this variant in disease. Therefore, it has been classified as a Variant of Uncertain Significance. Algorithms developed to predict the effect of missense changes on protein structure and function are either unavailable or do not agree on the potential impact of this missense change (SIFT: "Deleterious"; PolyPhen-2: "Benign"; Align-GVGD: "Class C0"). This variant has not been reported in the literature in individuals with PIGO-related conditions. This variant is not present in population databases (ExAC no frequency). This sequence change replaces proline with leucine at codon 51 of the PIGO protein (p.Pro51Leu). The proline residue is moderately conserved and there is a moderate physicochemical difference between proline and leucine.